The following is an entry in ClinVar:

NM_005996.4(TBX3):c.1401C>T (p.Asp467=)

Gene: TBX3 (T-box transcription factor 3; minus strand). Cytogenetic location: 12q24.21.
Variant type: single nucleotide variant.
Coding change: c.1401C>T on transcript NM_005996.4 (MANE Select); coding-DNA position 1401, C replaced by T.
Protein change: p.Asp467=; no amino-acid change (aspartic acid 467 retained).
Molecular consequence: synonymous variant.
Genome position (GRCh38, 1-based): chr12:114,674,474, G>A on the plus strand (C>T on the coding strand, the complement: TBX3 is on the minus strand). VCF-style: chr12-114674474-G-A. GRCh37 (hg19) VCF-style: chr12-115112279-G-A.
Other names: c.1461C>T, p.Asp487= (NM_016569.4).
Identifiers: ClinVar variation 3357558 (VCV003357558.1).

ClinVar aggregate classification (germline): Likely benign (0 of 4 stars; one submission).

Conditions:
TBX3-related disorder. Also called: TBX3-related condition.

gnomAD v4.1: 1 of 1,539,880 alleles (0.000065%); highest among the groups gnomAD compares: Non-Finnish European, 0.000087%; no homozygotes.

Submission:

PreventionGenetics, part of Exact Sciences
Classification: Likely benign for TBX3-related condition. Last evaluated: 2024-05-30. Review status: no assertion criteria provided. Collection method: clinical testing. Allele origin: germline.
Comment: This variant is classified as likely benign based on ACMG/AMP sequence variant interpretation guidelines (Richards et al. 2015 PMID: 25741868, with internal and published modifications).